The following is an entry in ClinVar:

ClinVar aggregate classification (germline): Uncertain significance. Review status: criteria provided, multiple submitters, no conflicts (2 of 4 stars). 4 submissions from 4 submitters: Uncertain significance (4). Last evaluated 2026-02-17.

Conditions:
Charcot-Marie-Tooth disease dominant intermediate C (CMTDIC). Also called: CHARCOT-MARIE-TOOTH NEUROPATHY, DOMINANT INTERMEDIATE C. Identifiers: Orphanet 100045, MedGen C1842237, MONDO:0012012, OMIM 608323.
Inborn genetic diseases. Identifiers: MedGen C0950123, MeSH D030342.
YARS1-related disorder. Also called: YARS1-related condition.

Allele frequency attached by ClinVar (database versions not stated): ExAC 0.00001; gnomAD exomes 0.00001; TOPMed 0.00002; gnomAD 0.00005.

Submissions (4):

PreventionGenetics, part of Exact Sciences
Classification: Uncertain significance for YARS1-related condition. Last evaluated: 2026-02-17. Review status: criteria provided, single submitter. Criteria: ACMG Guidelines, 2015. Collection method: clinical testing. Allele origin: germline.
Comment: The YARS1 c.989C>A variant is predicted to result in the amino acid substitution p.Thr330Asn. To our knowledge, this variant has not been reported in the literature. This variant is reported in 0.012% of alleles in individuals of African descent in gnomAD. At this time, the clinical significance of this variant is uncertain due to the absence of conclusive functional and genetic evidence.

Mayo Clinic Laboratories, Mayo Clinic
Classification: Uncertain significance. Last evaluated: 2025-07-30. Review status: criteria provided, single submitter. Criteria: ACMG Guidelines, 2015. Collection method: clinical testing. Allele origin: germline. Observed: 1 variant allele.
Comment: BP4_moderate

Ambry Genetics
Classification: Uncertain significance for Inborn genetic diseases. Last evaluated: 2024-12-11. Review status: criteria provided, single submitter. Criteria: Ambry Variant Classification Scheme 2023. Collection method: clinical testing. Allele origin: germline.

Labcorp Genetics (formerly Invitae), Labcorp
Classification: Uncertain significance for Charcot-Marie-Tooth disease dominant intermediate C. Last evaluated: 2024-09-27. Review status: criteria provided, single submitter. Criteria: Invitae Variant Classification Sherloc (09022015). Collection method: clinical testing. Allele origin: germline.
Comment: This sequence change replaces threonine, which is neutral and polar, with asparagine, which is neutral and polar, at codon 330 of the YARS protein (p.Thr330Asn). This variant is present in population databases (rs568526224, gnomAD 0.008%). This variant has not been reported in the literature in individuals affected with YARS-related conditions. ClinVar contains an entry for this variant (Variation ID: 1681501). Invitae Evidence Modeling of protein sequence and biophysical properties (such as structural, functional, and spatial information, amino acid conservation, physicochemical variation, residue mobility, and thermodynamic stability) indicates that this missense variant is not expected to disrupt YARS protein function with a negative predictive value of 80%. In summary, the available evidence is currently insufficient to determine the role of this variant in disease. Therefore, it has been classified as a Variant of Uncertain Significance.

NM_003680.4(YARS1):c.989C>A (p.Thr330Asn)

Gene: YARS1 (tyrosyl-tRNA synthetase 1; minus strand). Cytogenetic location: 1p35.1.
Variant type: single nucleotide variant.
Coding change: c.989C>A on transcript NM_003680.4 (MANE Select); coding-DNA position 989, C replaced by A.
Protein change: p.Thr330Asn; replaces threonine 330 with asparagine.
Molecular consequence: missense variant.
Genome position (GRCh38, 1-based): chr1:32,782,457, G>T on the plus strand (C>A on the coding strand, the complement: YARS1 is on the minus strand). VCF-style: chr1-32782457-G-T. GRCh37 (hg19) VCF-style: chr1-33248058-G-T.
Other names: p.Thr330Asn; c.989C>A (NM_003680.3); short protein forms T330N.
Identifiers: ClinVar variation 1681501 (VCV001681501.9), dbSNP rs568526224, ClinGen allele CA745032.